The following is an entry in ClinVar:

ClinVar aggregate classification (germline): Pathogenic (1 of 4 stars; one submission).

Submission:

Labcorp Genetics (formerly Invitae), Labcorp
Classification: Pathogenic. Last evaluated: 2022-09-02. Review status: criteria provided, single submitter. Criteria: Invitae Variant Classification Sherloc (09022015). Collection method: clinical testing. Allele origin: germline.
Comment: This variant is not present in population databases (gnomAD no frequency). For these reasons, this variant has been classified as Pathogenic. This variant has not been reported in the literature in individuals affected with SMARCB1-related conditions. This sequence change creates a premature translational stop signal (p.Arg155Alafs*21) in the SMARCB1 gene. It is expected to result in an absent or disrupted protein product. Loss-of-function variants in SMARCB1 are known to be pathogenic (PMID: 10521299, 21208904).

Literature cited by the submitters: PubMed 10521299; PubMed 21208904.

NM_003073.5(SMARCB1):c.463del (p.Arg155fs)

Gene: SMARCB1 (SWI/SNF related BAF chromatin remodeling complex subunit B1; plus strand). Cytogenetic location: 22q11.23.
Variant type: Deletion.
Coding change: c.463del on transcript NM_003073.5 (MANE Select); coding-DNA position 463, one base deleted (C; older notation c.463delC).
Protein change: p.Arg155fs; shifts the reading frame from arginine 155.
Molecular consequence: frameshift variant.
Genome position (GRCh38, 1-based): chr22:23,801,044, C deleted; the last of 2 consecutive C bases (chr22:23,801,043-23,801,044); deleting either gives the same sequence. VCF-style (leftmost placement, unchanged base first): chr22-23801042-AC-A. GRCh37 (hg19) VCF-style: chr22-24143229-AC-A.
Other names: c.436del, p.Arg146fs (NM_001007468.3, NM_001317946.2); c.463del, p.Arg155fs (NM_001362877.2); short protein forms R146fs, R155fs.
Identifiers: ClinVar variation 2028679 (VCV002028679.4), dbSNP rs2517679712, ClinGen allele CA2580099253.